The following is an entry in ClinVar:

NM_001165963.4(SCN1A):c.530G>C (p.Gly177Ala)

Gene: SCN1A (sodium voltage-gated channel alpha subunit 1; minus strand). Cytogenetic location: 2q24.3.
Variant type: single nucleotide variant.
Coding change: c.530G>C on transcript NM_001165963.4 (MANE Select); coding-DNA position 530, G replaced by C.
Protein change: p.Gly177Ala; replaces glycine 177 with alanine.
Molecular consequence: missense variant. On other transcripts: 5 prime UTR variant (1), non-coding transcript variant (1).
Genome position (GRCh38, 1-based): chr2:166,054,710, C>G on the plus strand (G>C on the coding strand, the complement: SCN1A is on the minus strand). VCF-style: chr2-166054710-C-G. GRCh37 (hg19) VCF-style: chr2-166911220-C-G.
Other names: c.530G>C, p.Gly177Ala (NM_001165964.3, NM_001202435.3, NM_001353948.2 and 10 more transcripts); c.-1896G>C (NM_001353961.2); short protein forms G177A.
Identifiers: ClinVar variation 3067152 (VCV003067152.3), dbSNP rs121918770, ClinGen allele CA349075527.
Genomic context (GRCh38, chr2:166,054,710, plus strand): 5'-ACAGTGAAATCGAGCCAGTTCCATGGATCCCGAAGGAAAGTAAAATCTTCTAAACAGAAT[C>G]CCCTTGCAATAATTTTTATAAGTGATTCAAAAGTATATATTCCTGTGAAGGTGTATCTGA-3'
Protein context (NP_001159435.1, residues 167-187): FESLIKIIAR[Gly177Ala]FCLEDFTFLR

ClinVar aggregate classification (germline): Pathogenic (1 of 4 stars; one submission).

Conditions:
SCN1A-related disorder. Also called: SCN1A-related disorders; SCN1A-related conditions; SCN1A-related condition.

Submissions (2):

3billion
Classification: Pathogenic for SCN1A-related disorder. Last evaluated: 2025-04-24. Review status: criteria provided, single submitter. Criteria: ACMG Guidelines, 2015. Collection method: clinical testing. Allele origin: germline. Affected: yes.
Comment: The variant is not observed in the gnomAD v4.1.0 dataset. Predicted Consequence/Location: Missense variant In silico tool predictions suggest damaging effect of the variant on gene or gene product [REVEL: 0.97 (>=0.6, sensitivity 0.68 and specificity 0.92); 3Cnet: 1.00 (> 0.75, sensitivity 0.96 and precision 0.92)]. The same nucleotide change resulting in the same amino acid change has been previously reported to be associated with SCN1A-related disorder (PMID: 30735520). The variant has been previously reported as de novo in a similarly affected individual (PMID: 30735520). Different missense changes at the same codon (p.Gly177Arg, p.Gly177Glu, p.Gly177Val) have been reported as pathogenic/likely pathogenic with strong evidence (ClinVar ID: VCV000068658, VCV000189904 / PMID: 12821740, 18076640, 26252084). Therefore, this variant is classified as Pathogenic according to the recommendation of ACMG/AMP guideline.

Channelopathy-Associated Epilepsy Research Center
No classification provided (evidence only). Condition: Severe myoclonic epilepsy in infancy. Review status: no classification provided. Collection method: literature only. Allele origin: not applicable. Functional consequence: Absence of peak current. Not counted in ClinVar's aggregate classification.
ClinVar note: "not provided" was previously submitted as the classification for the variant. However, the classification appeared to be based only on an observation of functional data so it was converted to no classification on 2025-07-30.

Literature cited by the submitters: PubMed 30735520 (cited by 3billion and Channelopathy-Associated Epilepsy Research Center); PubMed 12821740 (cited by 3billion).